The following is an entry in ClinVar:

ClinVar aggregate classification (germline): Benign (1 of 4 stars; one submission).

Conditions:
Juvenile polyposis/hereditary hemorrhagic telangiectasia syndrome (JPHT). Also called: JP/HHT SYNDROME; JUVENILE POLYPOSIS WITH HEREDITARY HEMORRHAGIC TELANGIECTASIA; POLYPOSIS, GENERALIZED JUVENILE, WITH PULMONARY ARTERIOVENOUS MALFORMATION; TELANGIECTASIA, HEREDITARY HEMORRHAGIC, WITH JUVENILE POLYPOSIS COLI; Juvenile Polyposis Syndrome / Hereditary Hemorrhagic Telangiectasia (JPS/HHT). Identifiers: Orphanet 2929, MedGen C1832942, MONDO:0008278, OMIM 175050.

Submission:

Myriad Genetics, Inc.
Classification: Benign for Juvenile polyposis/hereditary hemorrhagic telangiectasia syndrome. Last evaluated: 2025-03-24. Review status: criteria provided, single submitter. Criteria: Myriad Autosomal Dominant, Autosomal Recessive and X-Linked Classification Criteria (2023). Collection method: clinical testing. Allele origin: unknown.
Comment: This variant is considered benign. This variant is a silent/synonymous amino acid change and it is not expected to impact splicing.

NM_005359.6(SMAD4):c.1404C>T (p.Asn468=)

Gene: SMAD4 (SMAD family member 4; plus strand). Cytogenetic location: 18q21.2.
Variant type: single nucleotide variant.
Coding change: c.1404C>T on transcript NM_005359.6 (MANE Select); coding-DNA position 1404, C replaced by T.
Protein change: p.Asn468=; no amino-acid change (asparagine 468 retained).
Molecular consequence: synonymous variant. On other transcripts: non-coding transcript variant (1).
Genome position (GRCh38, 1-based): chr18:51,076,733, C>T. VCF-style: chr18-51076733-C-T. GRCh37 (hg19) VCF-style: chr18-48603103-C-T.
Other names: c.1404C>T, p.Asn468= (NM_001407041.1, NM_001407042.1).
Identifiers: ClinVar variation 3903651 (VCV003903651.1).
Genomic context (GRCh38, chr18:51,076,733, plus strand): 5'-GCAGCAGGCGGCTACTGCACAAGCTGCAGCAGCTGCCCAGGCAGCAGCCGTGGCAGGAAA[C>T]ATCCCTGGCCCAGGATCAGTAGGTGGAATAGCTCCAGCTATCAGTAAGTATGCTTTTCAT-3'
Protein context (NP_005350.1, residues 458-478): AAAQAAAVAG[Asn468=]IPGPGSVGGI